The following is an entry in ClinVar:

ClinVar aggregate classification (germline): Likely benign. Review status: criteria provided, multiple submitters, no conflicts (2 of 4 stars). 3 submissions from 3 submitters: Likely benign (3). Last evaluated 2025-12-15.

Conditions:
INF2-related disorder. Also called: INF2-related condition.
Charcot-Marie-Tooth disease dominant intermediate E. Also called: CHARCOT-MARIE-TOOTH NEUROPATHY WITH FOCAL SEGMENTAL GLOMERULONEPHRITIS. Identifiers: Orphanet 93114, MedGen C4302667, MONDO:0013758, OMIM 614455.
Focal segmental glomerulosclerosis 5 (FSGS5). Identifiers: Orphanet 656, MedGen C2750475, MONDO:0013191, OMIM 613237.

Allele frequency attached by ClinVar (database versions not stated): gnomAD exomes 0.00002; gnomAD 0.00004; ExAC 0.00009.
gnomAD v4.1: 24 of 995,336 alleles (0.0024%); highest among the groups gnomAD compares: Non-Finnish European, 0.0029%; no homozygotes.

Submissions (3):

PreventionGenetics, part of Exact Sciences
Classification: Likely benign for INF2-related condition. Last evaluated: 2025-12-15. Review status: criteria provided, single submitter. Criteria: ACMG Guidelines, 2015. Collection method: clinical testing. Allele origin: germline.
Comment: This variant is classified as likely benign based on ACMG/AMP sequence variant interpretation guidelines (Richards et al. 2015 PMID: 25741868, with internal and published modifications).

Labcorp Genetics (formerly Invitae), Labcorp
Classification: Likely benign for Charcot-Marie-Tooth disease dominant intermediate E; Focal segmental glomerulosclerosis 5. Last evaluated: 2025-01-26. Review status: criteria provided, single submitter. Criteria: Invitae Variant Classification Sherloc (09022015). Collection method: clinical testing. Allele origin: germline.

Fulgent Genetics
Classification: Likely benign for Focal segmental glomerulosclerosis 5; Charcot-Marie-Tooth disease dominant intermediate E. Last evaluated: 2022-03-03. Review status: criteria provided, single submitter. Criteria: ACMG Guidelines, 2015. Collection method: clinical testing. Allele origin: unknown.

NM_022489.4(INF2):c.1293T>C (p.Pro431=)

Gene: INF2 (inverted formin 2; plus strand). Cytogenetic location: 14q32.33.
Variant type: single nucleotide variant.
Coding change: c.1293T>C on transcript NM_022489.4 (MANE Select); coding-DNA position 1293, T replaced by C.
Protein change: p.Pro431=; no amino-acid change (proline 431 retained).
Molecular consequence: synonymous variant.
Genome position (GRCh38, 1-based): chr14:104,707,560, T>C. VCF-style: chr14-104707560-T-C. GRCh37 (hg19) VCF-style: chr14-105173897-T-C.
Other names: c.1293T>C, p.Pro431= (NM_001031714.4); c.1293T>C (NM_022489.3).
Identifiers: ClinVar variation 1079217 (VCV001079217.11), dbSNP rs758725838, ClinGen allele CA7372553.